The following is an entry in ClinVar:

ClinVar aggregate classification (germline): Likely benign. Review status: criteria provided, multiple submitters, no conflicts (2 of 4 stars). 3 submissions from 3 submitters: Likely benign (2). 1 of the submissions does not count toward it. Last evaluated 2025-01-27.

Conditions:
SAMD9-related disorder. Also called: SAMD9-related condition.
Inborn genetic diseases. Identifiers: MedGen C0950123, MeSH D030342.

Allele frequency attached by ClinVar (database versions not stated): TOPMed 0.00003; gnomAD exomes below 0.00001; gnomAD 0.00002.

Submissions (3):

Ambry Genetics
Classification: Likely benign for Inborn genetic diseases. Last evaluated: 2025-01-27. Review status: criteria provided, single submitter. Criteria: Ambry Variant Classification Scheme 2023. Collection method: clinical testing. Allele origin: germline.

Labcorp Genetics (formerly Invitae), Labcorp
Classification: Likely benign. Last evaluated: 2023-03-04. Review status: criteria provided, single submitter. Criteria: Invitae Variant Classification Sherloc (09022015). Collection method: clinical testing. Allele origin: germline.

PreventionGenetics, part of Exact Sciences
Classification: Likely benign for SAMD9-related condition. Last evaluated: 2022-05-24. Review status: no assertion criteria provided. Collection method: clinical testing. Allele origin: germline. Not counted in ClinVar's aggregate classification.
Comment: This variant is classified as likely benign based on ACMG/AMP sequence variant interpretation guidelines (Richards et al. 2015 PMID: 25741868, with internal and published modifications).

NM_017654.4(SAMD9):c.2583A>G (p.Glu861=)

Gene: SAMD9 (sterile alpha motif domain containing 9; minus strand). Cytogenetic location: 7q21.2.
Variant type: single nucleotide variant.
Coding change: c.2583A>G on transcript NM_017654.4 (MANE Select); coding-DNA position 2583, A replaced by G.
Protein change: p.Glu861=; no amino-acid change (glutamic acid 861 retained).
Molecular consequence: synonymous variant.
Genome position (GRCh38, 1-based): chr7:93,103,515, T>C on the plus strand (A>G on the coding strand, the complement: SAMD9 is on the minus strand). VCF-style: chr7-93103515-T-C. GRCh37 (hg19) VCF-style: chr7-92732828-T-C.
Other names: c.2583A>G (NM_017654.3); c.2583A>G, p.Glu861= (NM_001193307.2).
Identifiers: ClinVar variation 2981578 (VCV002981578.6), dbSNP rs947328008, ClinGen allele CA161991447.